The following is an entry in ClinVar:

ClinVar aggregate classification (germline): Likely benign. Review status: criteria provided, single submitter (1 of 4 stars). 2 submissions from 2 submitters: Likely benign (1). 1 of the submissions does not count toward it. Last evaluated 2024-11-11.

Conditions:
KCNT2-related disorder. Also called: KCNT2-related condition. Identifiers: MedGen CN236796.

Allele frequency attached by ClinVar (database versions not stated): ExAC 0.00058; 1000 Genomes Project 0.00120; 1000 Genomes Project 30x 0.00125; gnomAD 0.00137; TOPMed 0.00151; ESP Exome Variant Server 0.00200.
gnomAD v4.1: 388 of 1,465,556 alleles (0.026%); highest among the groups gnomAD compares: African/African-American, 0.47%; 1 homozygote.

Submissions (2):

Blueprint Genetics
Classification: Likely benign. Last evaluated: 2024-11-11. Review status: criteria provided, single submitter. Criteria: ACMG Guidelines, 2015. Collection method: clinical testing. Allele origin: germline.

PreventionGenetics, part of Exact Sciences
Classification: Benign for KCNT2-related condition. Last evaluated: 2020-01-02. Review status: no assertion criteria provided. Collection method: clinical testing. Allele origin: germline. Not counted in ClinVar's aggregate classification.
Comment: This variant is classified as benign based on ACMG/AMP sequence variant interpretation guidelines (Richards et al. 2015 PMID: 25741868, with internal and published modifications).

NM_198503.5(KCNT2):c.2595+7C>T

Gene: KCNT2 (potassium sodium-activated channel subfamily T member 2; minus strand). Cytogenetic location: 1q31.3.
Variant type: single nucleotide variant.
Coding change: c.2595+7C>T on transcript NM_198503.5 (MANE Select); 7 bases into the intron after coding-DNA position 2595, C replaced by T.
Molecular consequence: intron variant.
Genome position (GRCh38, 1-based): chr1:196,305,227, G>A on the plus strand (C>T on the coding strand, the complement: KCNT2 is on the minus strand). VCF-style: chr1-196305227-G-A. GRCh37 (hg19) VCF-style: chr1-196274357-G-A.
Other names: c.2373+7C>T (NM_001287820.3); c.2523+7C>T (NM_001287819.3).
Identifiers: ClinVar variation 3035089 (VCV003035089.3), dbSNP rs60422157, ClinGen allele CA1304158.